The following is an entry in ClinVar:

NM_000548.5(TSC2):c.2072G>T (p.Arg691Leu)

Gene: TSC2 (TSC complex subunit 2; plus strand). Cytogenetic location: 16p13.3.
Variant type: single nucleotide variant.
Coding change: c.2072G>T on transcript NM_000548.5 (MANE Select); coding-DNA position 2072, G replaced by T.
Protein change: p.Arg691Leu; replaces arginine 691 with leucine.
Molecular consequence: missense variant.
Genome position (GRCh38, 1-based): chr16:2,071,909, G>T. VCF-style: chr16-2071909-G-T. GRCh37 (hg19) VCF-style: chr16-2121910-G-T.
Other names: p.R691L:CGC>CTC; c.2072G>T, p.Arg691Leu (NM_001077183.3, NM_001114382.3, NM_001363528.2 and 3 more transcripts); c.1961G>T, p.Arg654Leu (NM_001318827.2); c.1925G>T, p.Arg642Leu (NM_001318829.2); c.1472G>T, p.Arg491Leu (NM_001318831.2); c.2105G>T, p.Arg702Leu (NM_001318832.2); c.2072G>T (NM_000548.4); short protein forms R691L, R491L, R702L, R642L, R654L.
Identifiers: ClinVar variation 207725 (VCV000207725.24), dbSNP rs370553131, ClinGen allele CA036218.

ClinVar aggregate classification (germline): Conflicting classifications of pathogenicity. Review status: criteria provided, conflicting classifications (1 of 4 stars). 7 submissions from 7 submitters: Uncertain significance (3); Benign (1); Likely benign (3). Last evaluated 2026-04-13.

Conditions:
TSC2-related disorder. Also called: TSC2-Related Disorders; TSC2-related condition.
Hereditary cancer-predisposing syndrome. Also called: Hereditary Cancer Syndrome; Neoplastic Syndromes, Hereditary; Tumor predisposition; Hereditary neoplastic syndrome. Identifiers: Orphanet 140162, MedGen C0027672, MeSH D009386, MONDO:0015356.
Tuberous sclerosis syndrome (TSC). Also called: Tuberous sclerosis; Tuberous Sclerosis Complex. Identifiers: Orphanet 805, MedGen C0041341, MONDO:0001734.
Tuberous sclerosis 2 (TSC2). Identifiers: Orphanet 805, MedGen C1860707, MONDO:0013199, OMIM 613254.

Allele frequency attached by ClinVar (database versions not stated): gnomAD 0.00003; TOPMed 0.00003; ExAC 0.00005; ESP Exome Variant Server 0.00008.
gnomAD v4.1: 25 of 1,592,344 alleles (0.0016%); highest among the groups gnomAD compares: Middle Eastern, 0.017%; no homozygotes.

Submissions (7):

PreventionGenetics, part of Exact Sciences
Classification: Likely benign for TSC2-related condition. Last evaluated: 2026-04-13. Review status: criteria provided, single submitter. Criteria: ACMG Guidelines, 2015. Collection method: clinical testing. Allele origin: germline.
Comment: This variant is classified as likely benign based on ACMG/AMP sequence variant interpretation guidelines (Richards et al. 2015 PMID: 25741868, with internal and published modifications).

Labcorp Genetics (formerly Invitae), Labcorp
Classification: Benign for Tuberous sclerosis 2. Last evaluated: 2025-12-26. Review status: criteria provided, single submitter. Criteria: Invitae Variant Classification Sherloc (09022015). Collection method: clinical testing. Allele origin: germline.

Ambry Genetics
Classification: Likely benign for Hereditary cancer-predisposing syndrome. Last evaluated: 2025-08-06. Review status: criteria provided, single submitter. Criteria: Ambry Variant Classification Scheme 2023. Collection method: clinical testing. Allele origin: germline.

Color Diagnostics, LLC DBA Color Health
Classification: Uncertain significance for Tuberous sclerosis syndrome. Last evaluated: 2025-06-13. Review status: criteria provided, single submitter. Criteria: ACMG Guidelines, 2015. Collection method: clinical testing. Allele origin: germline.
Comment: This missense variant replaces arginine with leucine at codon 691 of the TSC2 protein. Computational prediction is inconclusive regarding the impact of this variant on protein structure and function. To our knowledge, functional studies have not been reported for this variant. This variant has not been reported in individuals affected with tuberous sclerosis complex in the literature. This variant has been identified in 3/239524 chromosomes in the general population by the Genome Aggregation Database (gnomAD). The available evidence is insufficient to determine the role of this variant in disease conclusively. Therefore, this variant is classified as a Variant of Uncertain Significance.

All of Us Research Program, National Institutes of Health
Classification: Uncertain significance for Tuberous sclerosis syndrome. Last evaluated: 2023-03-04. Review status: criteria provided, single submitter. Criteria: ACMG Guidelines, 2015. Collection method: clinical testing. Allele origin: germline. Inheritance: Autosomal dominant inheritance. Observed: 1 variant allele, 1 heterozygote.
Comment: This missense variant replaces arginine with leucine at codon 691 of the TSC2 protein. Computational prediction is inconclusive regarding the impact of this variant on protein structure and function (internally defined REVEL score threshold 0.5 < inconclusive < 0.7, PMID: 27666373). To our knowledge, functional studies have not been reported for this variant. This variant has not been reported in individuals affected with tuberous sclerosis complex in the literature. This variant has been identified in 3/239524 chromosomes in the general population by the Genome Aggregation Database (gnomAD). The available evidence is insufficient to determine the role of this variant in disease conclusively. Therefore, this variant is classified as a Variant of Uncertain Significance.

This study involves interpretation of variants in research participants for the purpose of population health screening. Participant phenotype was not available at the time of variant classification. Additional details can be found in publication PMID: 35346344, PMCID: PMC8962531

GeneDx
Classification: Uncertain significance. Last evaluated: 2022-10-28. Review status: criteria provided, single submitter. Criteria: GeneDx Variant Classification Process June 2021. Collection method: clinical testing. Allele origin: germline. Affected: yes.
Comment: In silico analysis supports that this missense variant has a deleterious effect on protein structure/function; Has not been previously published as pathogenic or benign to our knowledge; This variant is associated with the following publications: (PMID: 31925297)

Genome-Nilou Lab
Classification: Likely benign for Tuberous sclerosis 2. Last evaluated: 2021-11-07. Review status: criteria provided, single submitter. Criteria: ACMG Guidelines, 2015. Collection method: clinical testing. Allele origin: germline. Affected: no.